The following is an entry in ClinVar:

NM_004818.3(DDX23):c.1141A>G (p.Thr381Ala)

Gene: DDX23 (DEAD-box helicase 23; minus strand). Cytogenetic location: 12q13.12.
Variant type: single nucleotide variant.
Coding change: c.1141A>G on transcript NM_004818.3 (MANE Select); coding-DNA position 1141, A replaced by G.
Protein change: p.Thr381Ala; replaces threonine 381 with alanine.
Molecular consequence: missense variant.
Genome position (GRCh38, 1-based): chr12:48,836,664, T>C on the plus strand (A>G on the coding strand, the complement: DDX23 is on the minus strand). VCF-style: chr12-48836664-T-C. GRCh37 (hg19) VCF-style: chr12-49230447-T-C.
Other names: short protein forms T381A.
Identifiers: ClinVar variation 2442477 (VCV002442477.1), dbSNP rs2498754365, ClinGen allele CA384674352.

ClinVar aggregate classification (germline): Uncertain significance (1 of 4 stars; one submission).

Submission:

GeneDx
Classification: Uncertain significance. Last evaluated: 2022-08-29. Review status: criteria provided, single submitter. Criteria: GeneDx Variant Classification Process June 2021. Collection method: clinical testing. Allele origin: germline. Affected: yes.
Comment: Not observed at significant frequency in large population cohorts (gnomAD); In silico analysis supports that this missense variant does not alter protein structure/function; Has not been previously published as pathogenic or benign to our knowledge